The following is an entry in ClinVar:

ClinVar aggregate classification (germline): Uncertain significance. Review status: criteria provided, multiple submitters, no conflicts (2 of 4 stars). 2 submissions from 2 submitters: Uncertain significance (2). Last evaluated 2023-06-24.

Conditions:
Hereditary cancer-predisposing syndrome. Also called: Neoplastic Syndromes, Hereditary; Hereditary Cancer Syndrome; Tumor predisposition; Hereditary neoplastic syndrome. Identifiers: Orphanet 140162, MedGen C0027672, MeSH D009386, MONDO:0015356.
Tuberous sclerosis 1 (TSC1). Identifiers: Orphanet 805, MedGen C1854465, MONDO:0008612, OMIM 191100.

Submissions (2):

Labcorp Genetics (formerly Invitae), Labcorp
Classification: Uncertain significance for Tuberous sclerosis 1. Last evaluated: 2023-06-24. Review status: criteria provided, single submitter. Criteria: Invitae Variant Classification Sherloc (09022015). Collection method: clinical testing. Allele origin: germline.
Comment: In summary, the available evidence is currently insufficient to determine the role of this variant in disease. Therefore, it has been classified as a Variant of Uncertain Significance. Advanced modeling of protein sequence and biophysical properties (such as structural, functional, and spatial information, amino acid conservation, physicochemical variation, residue mobility, and thermodynamic stability) performed at Invitae indicates that this missense variant is not expected to disrupt TSC1 protein function. ClinVar contains an entry for this variant (Variation ID: 1692408). This variant has not been reported in the literature in individuals affected with TSC1-related conditions. This variant is not present in population databases (gnomAD no frequency). This sequence change replaces glutamic acid, which is acidic and polar, with aspartic acid, which is acidic and polar, at codon 1115 of the TSC1 protein (p.Glu1115Asp).

Sema4
Classification: Uncertain significance for Hereditary cancer-predisposing syndrome. Last evaluated: 2021-08-26. Review status: criteria provided, single submitter. Criteria: Sema4 Curation Guidelines. Collection method: curation. Allele origin: germline.
Comment: The TSC1 c.3345G>C (p.E1115D) variant has not been reported in the literature to our knowledge. This variant is not reported in the population database Genome Aggregation Database (PMID: 32461654), nor in ClinVar. Functional studies have not been performed, and in silico predictions of the variant's effect on protein function are inconclusive. The evidence is insufficient to meet ACMG/AMP criteria for classifying the variant as benign or pathogenic. Thus, the clinical significance of this variant is currently uncertain.

NM_000368.5(TSC1):c.3345G>C (p.Glu1115Asp)

Gene: TSC1 (TSC complex subunit 1; minus strand). Cytogenetic location: 9q34.13.
Variant type: single nucleotide variant.
Coding change: c.3345G>C on transcript NM_000368.5 (MANE Select); coding-DNA position 3345, G replaced by C.
Protein change: p.Glu1115Asp; replaces glutamic acid 1115 with aspartic acid.
Molecular consequence: missense variant.
Genome position (GRCh38, 1-based): chr9:132,896,385, C>G on the plus strand (G>C on the coding strand, the complement: TSC1 is on the minus strand). VCF-style: chr9-132896385-C-G. GRCh37 (hg19) VCF-style: chr9-135771772-C-G.
Other names: c.3342G>C, p.Glu1114Asp (NM_001162426.2); c.3192G>C, p.Glu1064Asp (NM_001162427.2); c.2982G>C, p.Glu994Asp (NM_001362177.2); short protein forms E1064D, E1114D, E1115D, E994D.
Identifiers: ClinVar variation 1692408 (VCV001692408.4), dbSNP rs751467429, ClinGen allele CA375366568.